The following is an entry in ClinVar:

ClinVar aggregate classification (germline): Uncertain significance (1 of 4 stars; one submission).

Submission:

Labcorp Genetics (formerly Invitae), Labcorp
Classification: Uncertain significance. Last evaluated: 2023-10-26. Review status: criteria provided, single submitter. Criteria: Invitae Variant Classification Sherloc (09022015). Collection method: clinical testing. Allele origin: germline.
Comment: This sequence change replaces threonine, which is neutral and polar, with isoleucine, which is neutral and non-polar, at codon 214 of the SETD5 protein (p.Thr214Ile). This variant is not present in population databases (gnomAD no frequency). This variant has not been reported in the literature in individuals affected with SETD5-related conditions. ClinVar contains an entry for this variant (Variation ID: 2127999). Advanced modeling of protein sequence and biophysical properties (such as structural, functional, and spatial information, amino acid conservation, physicochemical variation, residue mobility, and thermodynamic stability) performed at Invitae indicates that this missense variant is not expected to disrupt SETD5 protein function with a negative predictive value of 80%. In summary, the available evidence is currently insufficient to determine the role of this variant in disease. Therefore, it has been classified as a Variant of Uncertain Significance.

NM_001080517.3(SETD5):c.641C>T (p.Thr214Ile)

Gene: SETD5 (SET domain containing 5; plus strand). Cytogenetic location: 3p25.3.
Variant type: single nucleotide variant.
Coding change: c.641C>T on transcript NM_001080517.3 (MANE Select); coding-DNA position 641, C replaced by T.
Protein change: p.Thr214Ile; replaces threonine 214 with isoleucine.
Molecular consequence: missense variant.
Genome position (GRCh38, 1-based): chr3:9,440,529, C>T. VCF-style: chr3-9440529-C-T. GRCh37 (hg19) VCF-style: chr3-9482213-C-T.
Other names: c.347C>T, p.Thr116Ile (NM_001292043.2, NM_001349451.2); short protein forms T214I, T116I.
Identifiers: ClinVar variation 2127999 (VCV002127999.4), dbSNP rs2472657424, ClinGen allele CA351687280.